The following is an entry in ClinVar:

NM_000286.3(PEX12):c.666G>A (p.Gln222=)

Gene: PEX12 (peroxisomal biogenesis factor 12; minus strand). Cytogenetic location: 17q12.
Variant type: single nucleotide variant.
Coding change: c.666G>A on transcript NM_000286.3 (MANE Select); coding-DNA position 666, G replaced by A.
Protein change: p.Gln222=; no amino-acid change (glutamine 222 retained).
Molecular consequence: synonymous variant.
Genome position (GRCh38, 1-based): chr17:35,577,052, C>T on the plus strand (G>A on the coding strand, the complement: PEX12 is on the minus strand). VCF-style: chr17-35577052-C-T. GRCh37 (hg19) VCF-style: chr17-33904071-C-T.
Identifiers: ClinVar variation 798566 (VCV000798566.31), dbSNP rs759295117, ClinGen allele CA8504876.

ClinVar aggregate classification (germline): Likely benign. Review status: criteria provided, multiple submitters, no conflicts (2 of 4 stars). 3 submissions from 3 submitters: Likely benign (2). 1 of the submissions does not count toward it. Last evaluated 2025-09-03.

Conditions:
Peroxisome biogenesis disorder 3A (Zellweger). Also called: Peroxisome biogenesis disorder 3A; PEROXISOMAL BIOGENESIS DISORDER 3A (ZELLWEGER). Identifiers: Orphanet 912, MedGen C3553929, MONDO:0013927, OMIM 614859.
PEX12-related disorder. Also called: PEX12-related condition; PEX12-related disorders.

Allele frequency attached by ClinVar (database versions not stated): ExAC 0.00001; gnomAD 0.00001; gnomAD exomes 0.00001; TOPMed 0.00001.
gnomAD v4.1: 9 of 1,613,900 alleles (0.00056%); highest among the groups gnomAD compares: Non-Finnish European, 0.00076%; no homozygotes.

Submissions (3):

Labcorp Genetics (formerly Invitae), Labcorp
Classification: Likely benign for Peroxisome biogenesis disorder 3A (Zellweger). Last evaluated: 2025-09-03. Review status: criteria provided, single submitter. Criteria: Invitae Variant Classification Sherloc (09022015). Collection method: clinical testing. Allele origin: germline.

CeGaT Center for Human Genetics Tuebingen
Classification: Likely benign. Last evaluated: 2024-03-01. Review status: criteria provided, single submitter. Criteria: CeGaT Center For Human Genetics Tuebingen Variant Classification Criteria Version 2. Collection method: clinical testing. Allele origin: germline. Affected: yes. Observed: 1 variant allele.
Comment: PEX12: BP4, BP7

PreventionGenetics, part of Exact Sciences
Classification: Likely benign for PEX12-related condition. Last evaluated: 2020-03-20. Review status: no assertion criteria provided. Collection method: clinical testing. Allele origin: germline. Not counted in ClinVar's aggregate classification.
Comment: This variant is classified as likely benign based on ACMG/AMP sequence variant interpretation guidelines (Richards et al. 2015 PMID: 25741868, with internal and published modifications).